The following is an entry in ClinVar:

ClinVar aggregate classification (germline): Uncertain significance. Review status: criteria provided, multiple submitters, no conflicts (2 of 4 stars). 3 submissions from 3 submitters: Uncertain significance (3). Last evaluated 2025-10-24.

Conditions:
Norman-Roberts syndrome (LIS2). Also called: Lissencephaly 2 (Norman-Roberts type). Identifiers: Orphanet 89844, MedGen C0796089, MONDO:0009760, OMIM 257320.
Familial temporal lobe epilepsy 7. Identifiers: Orphanet 101046, MedGen C4225327, MONDO:0014639, OMIM 616436.
Inborn genetic diseases. Identifiers: MedGen C0950123, MeSH D030342.

Allele frequency attached by ClinVar (database versions not stated): ExAC 0.00001; gnomAD 0.00003 and 0.00004; TOPMed 0.00005; ESP Exome Variant Server 0.00008.
gnomAD v4.1: 68 of 1,612,696 alleles (0.0042%); highest among the groups gnomAD compares: Non-Finnish European, 0.0054%; 1 homozygote.

Submissions (3):

Labcorp Genetics (formerly Invitae), Labcorp
Classification: Uncertain significance for Familial temporal lobe epilepsy 7; Norman-Roberts syndrome. Last evaluated: 2025-10-24. Review status: criteria provided, single submitter. Criteria: Invitae Variant Classification Sherloc (09022015). Collection method: clinical testing. Allele origin: germline.
Comment: This sequence change replaces arginine, which is basic and polar, with methionine, which is neutral and non-polar, at codon 22 of the RELN protein (p.Arg22Met). This variant is present in population databases (rs139532757, gnomAD 0.002%). This variant has not been reported in the literature in individuals affected with RELN-related conditions. ClinVar contains an entry for this variant (Variation ID: 859302). Invitae Evidence Modeling of protein sequence and biophysical properties (such as structural, functional, and spatial information, amino acid conservation, physicochemical variation, residue mobility, and thermodynamic stability) indicates that this missense variant is not expected to disrupt RELN protein function with a negative predictive value of 80%. In summary, the available evidence is currently insufficient to determine the role of this variant in disease. Therefore, it has been classified as a Variant of Uncertain Significance.

GeneDx
Classification: Uncertain significance. Last evaluated: 2025-06-21. Review status: criteria provided, single submitter. Criteria: GeneDx Variant Classification Process June 2021. Collection method: clinical testing. Allele origin: germline. Affected: yes.
Comment: Reported previously in an individual with intellectual disability; however, a second RELN variant was not identified in this individual (PMID: 25167861); Not observed at significant frequency in large population cohorts (gnomAD); In silico analysis suggests that this missense variant does not alter protein structure/function; This variant is associated with the following publications: (PMID: 25167861)

Ambry Genetics
Classification: Uncertain significance for Inborn genetic diseases. Last evaluated: 2024-11-10. Review status: criteria provided, single submitter. Criteria: Ambry Variant Classification Scheme 2023. Collection method: clinical testing. Allele origin: germline.

NM_005045.4(RELN):c.65G>T (p.Arg22Met)

Gene: RELN (reelin; minus strand). Cytogenetic location: 7q22.1.
Variant type: single nucleotide variant.
Coding change: c.65G>T on transcript NM_005045.4 (MANE Select); coding-DNA position 65, G replaced by T.
Protein change: p.Arg22Met; replaces arginine 22 with methionine.
Molecular consequence: missense variant.
Genome position (GRCh38, 1-based): chr7:103,989,292, C>A on the plus strand (G>T on the coding strand, the complement: RELN is on the minus strand). VCF-style: chr7-103989292-C-A. GRCh37 (hg19) VCF-style: chr7-103629739-C-A.
Other names: c.65G>T, p.Arg22Met (NM_173054.3); short protein forms R22M.
Identifiers: ClinVar variation 859302 (VCV000859302.13), dbSNP rs139532757, ClinGen allele CA4422731.